The following is an entry in ClinVar:

NM_006254.4(PRKCD):c.1043A>G (p.Asn348Ser)

Gene: PRKCD (protein kinase C delta; plus strand). Cytogenetic location: 3p21.1.
Variant type: single nucleotide variant.
Coding change: c.1043A>G on transcript NM_006254.4 (MANE Select); coding-DNA position 1043, A replaced by G.
Protein change: p.Asn348Ser; replaces asparagine 348 with serine.
Molecular consequence: missense variant.
Genome position (GRCh38, 1-based): chr3:53,185,984, A>G. VCF-style: chr3-53185984-A-G. GRCh37 (hg19) VCF-style: chr3-53220000-A-G.
Other names: c.1043A>G, p.Asn348Ser (NM_001316327.2, NM_001354679.2, NM_001354680.2 and 2 more transcripts); c.1100A>G, p.Asn367Ser (NM_001354676.2); c.1091A>G, p.Asn364Ser (NM_001354678.2); short protein forms N348S, N364S, N367S.
Identifiers: ClinVar variation 440191 (VCV000440191.18), dbSNP rs33911937, ClinGen allele CA2452073.
Genomic context (GRCh38, chr3:53,185,984, plus strand): 5'-CAGACAACAGTGGGACCTACGGCAAGATCTGGGAGGGCAGCAGCAAGTGCAACATCAACA[A>G]CTTCATCTTCCACAAGGTCCTGGGCAAAGGCAGCTTCGGGAAGGTGAGGGCTGTGAGCCG-3'
Protein context (NP_006245.2, residues 338-358): WEGSSKCNIN[Asn348Ser]FIFHKVLGKG

ClinVar aggregate classification (germline): Conflicting classifications of pathogenicity. Review status: criteria provided, conflicting classifications (1 of 4 stars). 2 submissions from 2 submitters: Uncertain significance (1); Benign (1). Last evaluated 2026-02-03.

Conditions:
Autoimmune lymphoproliferative syndrome, type III caused by mutation in PRKCD. Identifiers: Orphanet 3261, Orphanet 664711, MedGen C3809928, MONDO:8000024, OMIM 615559.

Allele frequency attached by ClinVar (database versions not stated): gnomAD 0.00061 and 0.00064; TOPMed 0.00062; ExAC 0.00089; ESP Exome Variant Server 0.00100; gnomAD exomes 0.00101.
gnomAD v4.1: 906 of 1,614,082 alleles (0.056%); highest among the groups gnomAD compares: Non-Finnish European, 0.01%; 4 homozygotes.

Submissions (2):

Labcorp Genetics (formerly Invitae), Labcorp
Classification: Benign for Autoimmune lymphoproliferative syndrome, type III caused by mutation in PRKCD. Last evaluated: 2026-02-03. Review status: criteria provided, single submitter. Criteria: Invitae Variant Classification Sherloc (09022015). Collection method: clinical testing. Allele origin: germline.

ARUP Laboratories, Molecular Genetics and Genomics, ARUP Laboratories
Classification: Uncertain significance. Last evaluated: 2017-06-01. Review status: criteria provided, single submitter. Criteria: ARUP Molecular Germline Variant Investigation Process. Collection method: clinical testing. Allele origin: germline.
Comment: The p.Asn348Ser variant (rs33911937) has not been reported in the medical literature or gene specific variation databases. This variant is listed in the NHLBI GO Exome Sequencing Project with an overall population frequency of 0.10 percent (identified on 13 out of 13,006 chromosomes) and is listed in the Exome Aggregation Consortium Browser with an overall population frequency of 0.089 percent (identified on 108 out of 121,348 chromosomes). The asparagine at position 348 is highly conserved, up to Frog (considering 15 species) (Alamut v2.9.0) but is also serine in Elephant suggesting this change may be evolutionarily tolerated. Computational analyses of the effects of the p.Asn348Ser variant on protein structure and function provide conflicting results (SIFT: tolerated, MutationTaster: disease causing, PolyPhen-2: benign). Altogether, there is not enough evidence to classify the p.Asn348Ser variant with certainty.